The following is an entry in ClinVar:

ClinVar aggregate classification (germline): Likely benign (0 of 4 stars; one submission).

Conditions:
PKD1-related disorder. Also called: PKD1-related condition.

Allele frequency attached by ClinVar (database versions not stated): ExAC 0.00002; gnomAD 0.00005.
gnomAD v4.1: 9 of 1,612,488 alleles (0.00056%); highest among the groups gnomAD compares: African/African-American, 0.012%; no homozygotes.

Submission:

PreventionGenetics, part of Exact Sciences
Classification: Likely benign for PKD1-related condition. Last evaluated: 2021-10-06. Review status: no assertion criteria provided. Collection method: clinical testing. Allele origin: germline.
Comment: This variant is classified as likely benign based on ACMG/AMP sequence variant interpretation guidelines (Richards et al. 2015 PMID: 25741868, with internal and published modifications).

NM_001009944.3(PKD1):c.4743C>G (p.Ser1581=)

Gene: PKD1 (polycystin 1, transient receptor potential channel interacting; minus strand). Cytogenetic location: 16p13.3.
Variant type: single nucleotide variant.
Coding change: c.4743C>G on transcript NM_001009944.3 (MANE Select); coding-DNA position 4743, C replaced by G.
Protein change: p.Ser1581=; no amino-acid change (serine 1581 retained).
Molecular consequence: synonymous variant.
Genome position (GRCh38, 1-based): chr16:2,110,424, G>C on the plus strand (C>G on the coding strand, the complement: PKD1 is on the minus strand). VCF-style: chr16-2110424-G-C. GRCh37 (hg19) VCF-style: chr16-2160425-G-C.
Other names: c.4743C>G, p.Ser1581= (NM_000296.4).
Identifiers: ClinVar variation 3061467 (VCV003061467.2), dbSNP rs759544640, ClinGen allele CA7832267.
Genomic context (GRCh38, chr16:2,110,424, plus strand): 5'-GAAGGTGTAAGAGATGGTAGGACCCCCAGGGATGGGCGTGCAGCGGTCACAGAGCACCCA[G>C]GAATAGCGCACATCACTGCCGGCCTCCAGCGACGTGCTGAAGCTCACGCTCCCATTCAGG-3'
Protein context (NP_001009944.3, residues 1571-1591): SLEAGSDVRY[Ser1581=]WVLCDRCTPI